The following is an entry in ClinVar:

ClinVar aggregate classification (germline): Uncertain significance (1 of 4 stars; one submission).

Conditions:
Leukocyte adhesion deficiency 3. Also called: INTEGRIN ACTIVATION DEFICIENCY DISEASE; LEUKOCYTE ADHESION DEFICIENCY 1 VARIANT; Leukocyte adhesion deficiency, type III. Identifiers: Orphanet 2968, Orphanet 99844, MedGen C2748536, MONDO:0013016, OMIM 612840.

Allele frequency attached by ClinVar (database versions not stated): gnomAD 0.00002; TOPMed 0.00002; gnomAD exomes 0.00003 and 0.00008.
gnomAD v4.1: 109 of 1,548,930 alleles (0.007%); highest among the groups gnomAD compares: Non-Finnish European, 0.0091%; no homozygotes.

Submission:

Labcorp Genetics (formerly Invitae), Labcorp
Classification: Uncertain significance for Leukocyte adhesion deficiency 3. Last evaluated: 2022-08-15. Review status: criteria provided, single submitter. Criteria: Invitae Variant Classification Sherloc (09022015). Collection method: clinical testing. Allele origin: germline.
Comment: This sequence change replaces leucine, which is neutral and non-polar, with valine, which is neutral and non-polar, at codon 161 of the FERMT3 protein (p.Leu161Val). The frequency data for this variant in the population databases is considered unreliable, as metrics indicate poor data quality at this position in the gnomAD database. This variant has not been reported in the literature in individuals affected with FERMT3-related conditions. ClinVar contains an entry for this variant (Variation ID: 1403137). Algorithms developed to predict the effect of missense changes on protein structure and function output the following: SIFT: "Tolerated"; PolyPhen-2: "Benign"; Align-GVGD: "Class C0". The valine amino acid residue is found in multiple mammalian species, which suggests that this missense change does not adversely affect protein function. Algorithms developed to predict the effect of sequence changes on RNA splicing suggest that this variant may create or strengthen a splice site. In summary, the available evidence is currently insufficient to determine the role of this variant in disease. Therefore, it has been classified as a Variant of Uncertain Significance.

NM_031471.6(FERMT3):c.481C>G (p.Leu161Val)

Gene: FERMT3 (FERM domain containing kindlin 3; plus strand). Cytogenetic location: 11q13.1.
Variant type: single nucleotide variant.
Coding change: c.481C>G on transcript NM_031471.6 (MANE Select); coding-DNA position 481, C replaced by G.
Protein change: p.Leu161Val; replaces leucine 161 with valine.
Molecular consequence: missense variant. On other transcripts: 5 prime UTR variant (2).
Genome position (GRCh38, 1-based): chr11:64,211,138, C>G. VCF-style: chr11-64211138-C-G. GRCh37 (hg19) VCF-style: chr11-63978610-C-G.
Other names: c.481C>G, p.Leu161Val (NM_001382361.1, NM_001382362.1, NM_001382448.1 and 1 more transcripts); c.-60C>G (NM_001382363.1, NM_001382364.1); short protein forms L161V.
Identifiers: ClinVar variation 1403137 (VCV001403137.5), dbSNP rs900256457, ClinGen allele CA223836518.
Genomic context (GRCh38, chr11:64,211,138, plus strand): 5'-CTGCTCCGGGCTCCTGAGAAGAAGGAGAAGAAGAAGAAAGAGAAGGAGCCAGAGGAAGAG[C>G]TCTATGACTTGAGCAAGGTTGTCTTGGCTGGGGGTGAGTGCAAGTGGGGGTGGGCCTGGG-3'
Protein context (NP_113659.3, residues 151-171): KKKEKEPEEE[Leu161Val]YDLSKVVLAG